The following is an entry in ClinVar:

NM_152309.3(PIK3AP1):c.2335G>C (p.Val779Leu)

Gene: PIK3AP1 (phosphoinositide-3-kinase adaptor protein 1; minus strand). Cytogenetic location: 10q24.1.
Variant type: single nucleotide variant.
Coding change: c.2335G>C on transcript NM_152309.3 (MANE Select); coding-DNA position 2335, G replaced by C.
Protein change: p.Val779Leu; replaces valine 779 with leucine.
Molecular consequence: missense variant.
Genome position (GRCh38, 1-based): chr10:96,602,305, C>G on the plus strand (G>C on the coding strand, the complement: PIK3AP1 is on the minus strand). VCF-style: chr10-96602305-C-G. GRCh37 (hg19) VCF-style: chr10-98362062-C-G.
Other names: short protein forms V779L.
Identifiers: ClinVar variation 1719366 (VCV001719366.5), dbSNP rs45587542, ClinGen allele CA377749032.

ClinVar aggregate classification (germline): Uncertain significance (1 of 4 stars; one submission).

Conditions:
Infantile spasms. Also called: Infantile spasm. Identifiers: MedGen C3887898, HP:0012469.

Submission:

Labcorp Genetics (formerly Invitae), Labcorp
Classification: Uncertain significance for Infantile spasms. Last evaluated: 2024-05-23. Review status: criteria provided, single submitter. Criteria: Invitae Variant Classification Sherloc (09022015). Collection method: clinical testing. Allele origin: germline.
Comment: This sequence change replaces valine, which is neutral and non-polar, with leucine, which is neutral and non-polar, at codon 779 of the PIK3AP1 protein (p.Val779Leu). This variant is not present in population databases (gnomAD no frequency). This variant has not been reported in the literature in individuals affected with PIK3AP1-related conditions. ClinVar contains an entry for this variant (Variation ID: 1719366). An algorithm developed to predict the effect of missense changes on protein structure and function (PolyPhen-2) suggests that this variant is likely to be tolerated. In summary, the available evidence is currently insufficient to determine the role of this variant in disease. Therefore, it has been classified as a Variant of Uncertain Significance.